The following is an entry in ClinVar:

ClinVar aggregate classification (germline): Uncertain significance. Review status: criteria provided, multiple submitters, no conflicts (2 of 4 stars). 2 submissions from 2 submitters: Uncertain significance (2). Last evaluated 2024-06-29.

Allele frequency attached by ClinVar (database versions not stated): TOPMed 0.00002; gnomAD 0.00003 and 0.00004; gnomAD exomes 0.00006; ExAC 0.00008; 1000 Genomes Project 30x 0.00016; 1000 Genomes Project 0.00020.
gnomAD v4.1: 136 of 1,614,050 alleles (0.0084%); highest among the groups gnomAD compares: Non-Finnish European, 0.011%; no homozygotes.

Submissions (2):

Labcorp Genetics (formerly Invitae), Labcorp
Classification: Uncertain significance. Last evaluated: 2024-06-29. Review status: criteria provided, single submitter. Criteria: Invitae Variant Classification Sherloc (09022015). Collection method: clinical testing. Allele origin: germline.
Comment: This sequence change replaces alanine, which is neutral and non-polar, with threonine, which is neutral and polar, at codon 339 of the CLUAP1 protein (p.Ala339Thr). This variant is present in population databases (rs199582178, gnomAD 0.02%). This variant has not been reported in the literature in individuals affected with CLUAP1-related conditions. ClinVar contains an entry for this variant (Variation ID: 951206). Advanced modeling of protein sequence and biophysical properties (such as structural, functional, and spatial information, amino acid conservation, physicochemical variation, residue mobility, and thermodynamic stability) performed at Invitae indicates that this missense variant is not expected to disrupt CLUAP1 protein function with a negative predictive value of 80%. In summary, the available evidence is currently insufficient to determine the role of this variant in disease. Therefore, it has been classified as a Variant of Uncertain Significance.

Ambry Genetics
Classification: Uncertain significance. Last evaluated: 2023-08-08. Review status: criteria provided, single submitter. Criteria: Ambry Variant Classification Scheme 2023. Collection method: clinical testing. Allele origin: germline.

NM_015041.3(CLUAP1):c.1015G>A (p.Ala339Thr)

Gene: CLUAP1 (clusterin associated protein 1; plus strand). Cytogenetic location: 16p13.3.
Variant type: single nucleotide variant.
Coding change: c.1015G>A on transcript NM_015041.3 (MANE Select); coding-DNA position 1015, G replaced by A.
Protein change: p.Ala339Thr; replaces alanine 339 with threonine.
Molecular consequence: missense variant.
Genome position (GRCh38, 1-based): chr16:3,530,654, G>A. VCF-style: chr16-3530654-G-A. GRCh37 (hg19) VCF-style: chr16-3580654-G-A.
Other names: c.1015G>A, p.Ala339Thr (NM_001330454.2); c.517G>A, p.Ala173Thr (NM_024793.3); c.1015G>A (NM_015041.1); short protein forms A339T, A173T.
Identifiers: ClinVar variation 951206 (VCV000951206.11), dbSNP rs199582178, ClinGen allele CA7863941.